The following is an entry in ClinVar:

NM_000350.3(ABCA4):c.4577C>T (p.Thr1526Met)

Gene: ABCA4 (ATP binding cassette subfamily A member 4; minus strand). Cytogenetic location: 1p22.1.
Variant type: single nucleotide variant.
Coding change: c.4577C>T on transcript NM_000350.3 (MANE Select); coding-DNA position 4577, C replaced by T.
Protein change: p.Thr1526Met; replaces threonine 1526 with methionine.
Molecular consequence: missense variant.
Genome position (GRCh38, 1-based): chr1:94,025,011, G>A on the plus strand (C>T on the coding strand, the complement: ABCA4 is on the minus strand). VCF-style: chr1-94025011-G-A. GRCh37 (hg19) VCF-style: chr1-94490567-G-A.
Other names: NM_000350.3(ABCA4):c.4577C>T; c.4355C>T, p.Thr1452Met (NM_001425324.1); short protein forms T1526M, T1452M.
Identifiers: ClinVar variation 99303 (VCV000099303.44), dbSNP rs61750152, ClinGen allele CA227218.

ClinVar aggregate classification (germline): Pathogenic. Review status: reviewed by expert panel (3 of 4 stars). 21 submissions from 20 submitters: Pathogenic (1). 20 of the submissions do not count toward it. Last evaluated 2025-12-05.

Conditions:
ABCA4-related retinopathy. Also called: ABCA4-related retinoapthy; ABCA4 retinoapthy. Identifiers: MedGen CN322612, MONDO:0800406.
autosomal recessive ABCA4-related retinopathy.
ABCA4-related disorder. Also called: ABCA4-related condition; ABCA4-related disorders. Identifiers: MedGen CN239167.
Inborn genetic diseases. Identifiers: MedGen C0950123, MeSH D030342.
Retinal dystrophy. Also called: Inherited retinal dystrophy. Identifiers: Orphanet 71862, MedGen C0854723, MeSH D058499, MONDO:0019118, HP:0000556.
Severe early-childhood-onset retinal dystrophy (STGD1). Also called: MACULAR DYSTROPHY WITH FLECKS, TYPE 1; STGD; Stargardt macular dystrophy; Juvenile onset macular degeneration; Stargardt disease 1. Identifiers: Orphanet 364055, Orphanet 827, MedGen C1855465, MeSH D000080362, MONDO:0009549, OMIM 248200.
Cone-rod dystrophy 3 (CORD3). Identifiers: Orphanet 1872, MedGen C1858806, MONDO:0011395, OMIM 604116.
Age related macular degeneration 2. Also called: MACULAR DEGENERATION, SENILE; MACULOPATHY, AGE-RELATED, 2; MACULOPATHY, AGE-RELATED. Identifiers: MedGen C3495438, MONDO:0007932, OMIM 153800.
Retinitis pigmentosa 19 (RP19). Also called: ABCA4-Related Retinitis Pigmentosa. Identifiers: Orphanet 791, MedGen C1866422, MONDO:0011137, OMIM 601718.
Stargardt disease (FFM). Also called: Fundus flavimaculatus; Stargardt's disease. Identifiers: Orphanet 827, MedGen C0271093, MONDO:0019353.

Allele frequency attached by ClinVar (database versions not stated): ExAC 0.00003; gnomAD exomes 0.00005 and 0.00012; TOPMed 0.00009; gnomAD 0.00016.

Submissions 1 to 8 of 21:

ClinGen ABCA4 Variant Curation Expert Panel, Clingen
Classification: Pathogenic for ABCA4-related retinopathy. Last evaluated: 2025-12-05. Review status: reviewed by expert panel. Criteria: ClinGen ABCA4 ACMG Specifications V1.0.0. Collection method: curation. Allele origin: germline. Inheritance: Autosomal recessive inheritance.
Comment: The NM_000350.3(ABCA4):c.4577C>T variant in ABCA4 is a missense variant predicted to cause substitution of threonine by methionine at amino acid 1526 (p.Thr1526Met). The computational predictor REVEL gives a score of 0.887 which is above the threshold of >0.772, evidence that predicts a damaging effect on ABCA4 function (PP3_Moderate). The prevalence of the variant in affected individuals is significantly increased compared with the prevalence in controls with an OR = 80.9 and the CI is 43.88 to 163.71, which is above the ABCA4 VCEP threshold of >5, where the CI does not contain 1 (PS4; PMID: 35120629). This variant has been detected in at least two individuals with ABCA4-related retinopathy that were compound heterozygous for the variant and a pathogenic variant, confirmed in trans by NGS, Sanger, whole-exome parallel sequencing, and/or segregation analysis (PM3_Strong, PMID: 35344533 and 36672815). The variant has been reported to segregate with ABCA4-related retinopathy in 1 affected proband and 1 relative within a single family (PP1; PMID: 35344533). In summary, this variant meets the criteria to be classified as pathogenic for ABCA4-related retinopathy based on the ACMG/AMP criteria applied, as specified by the ClinGen ABCA4 VCEP (Specification Version 1.0): PS4, PM3_Strong, PP3_Moderate, PP1_Supporting.

PreventionGenetics, part of Exact Sciences
Classification: Pathogenic for ABCA4-related condition. Last evaluated: 2026-08-03. Review status: criteria provided, single submitter. Criteria: ACMG Guidelines, 2015. Collection method: clinical testing. Allele origin: germline. Not counted in ClinVar's aggregate classification.
Comment: The ABCA4 c.4577C>T variant is predicted to result in the amino acid substitution p.Thr1526Met. This variant has been reported along with a second ABCA4 variant in many individuals with retinal disease (see for examples: Lewis et al. 1999. PubMed ID: 9973280; Cideciyan et al. 2009. PubMed ID: 19074458; Ezquerra-Inchausti et al. 2018. PubMed ID: 30337596; Table S1, Lin et al. 2024. PubMed ID: 38219857). This variant is present in 0.012% of alleles in individuals of European (Non-Finnish) descent in gnomAD. A study of the allele frequencies of this variant in patients and the general population has classified this variant as having moderate severity (Table S2A, Cornelis et al. 2022. PubMed ID: 35120629). Given all the evidence, we interpret this variant as pathogenic.

Labcorp Genetics (formerly Invitae), Labcorp
Classification: Pathogenic. Last evaluated: 2026-01-27. Review status: criteria provided, single submitter. Criteria: Invitae Variant Classification Sherloc (09022015). Collection method: clinical testing. Allele origin: germline. Not counted in ClinVar's aggregate classification.
Comment: This sequence change replaces threonine, which is neutral and polar, with methionine, which is neutral and non-polar, at codon 1526 of the ABCA4 protein (p.Thr1526Met). This variant is present in population databases (rs61750152, gnomAD 0.01%). This missense change has been observed in individuals with Stargardt disease or cone-rod dystrophy and Stargardt disease in at least one family and has been observed in unrelated individuals affected with Stargardt disease or cone-rod dystrophy (PMID: 9973280, 19074458). It has also been observed to segregate with disease in related individuals. ClinVar contains an entry for this variant (Variation ID: 99303). Invitae Evidence Modeling of protein sequence and biophysical properties (such as structural, functional, and spatial information, amino acid conservation, physicochemical variation, residue mobility, and thermodynamic stability) indicates that this missense variant is expected to disrupt ABCA4 protein function with a positive predictive value of 95%. Experimental studies have shown that this missense change affects ABCA4 function (PMID: 11017087). For these reasons, this variant has been classified as Pathogenic.

Variantyx, Inc.
Classification: Pathogenic for autosomal recessive ABCA4-related retinopathy. Last evaluated: 2025-12-11. Review status: criteria provided, single submitter. Criteria: Variantyx Assertion Criteria 2022. Collection method: clinical testing. Allele origin: maternal. Inheritance: Autosomal recessive inheritance. Affected: yes. Not counted in ClinVar's aggregate classification.
Comment: Pathogenic variants in this gene have been associated with autosomal recessive ABCA4-related retinopathy. This variant has been reported in the homozygous or compound heterozygous state in several unrelated affected individuals (PMID: 9973280, 19074458 , 30337596, 28559085, 28446513, 30653986, 32037395, 29925512) (PM3_Very_Strong). Functional studies have shown that this variant alters ABCA4 protein function (PMID: 11017087) (PS3). Multiple computational algorithms predict a deleterious effect for this substitution (PP3). This variant has a 0.0176% maximum allele frequency in non-founder control populations, which is lower than expected for the prevalence of autosomal recessive ABCA4-related retinopathy (PM2_Supporting). Based on the current evidence, this variant is classified as pathogenic for autosomal recessive ABCA4-related retinopathy.

3billion
Classification: Pathogenic for ABCA4-related disorder. Last evaluated: 2025-09-17. Review status: criteria provided, single submitter. Criteria: ACMG Guidelines, 2015. Collection method: clinical testing. Allele origin: germline. Affected: yes. Not counted in ClinVar's aggregate classification.
Comment: The variant is observed at an extremely low frequency in the gnomAD v4.1.0 dataset (total allele frequency: 0.012%). Predicted Consequence/Location: Missense variant Functional studies provide moderate evidence of the variant having a damaging effect on the gene or gene product (PMID: 11017087). In silico tool predictions suggest damaging effect of the variant on gene or gene product [REVEL: 0.89 (>=0.6, sensitivity 0.68 and specificity 0.92); 3Cnet: 0.90 (> 0.75, sensitivity 0.96 and precision 0.92)]. The same nucleotide change resulting in the same amino acid change has been previously reported as pathogenic/likely pathogenic with strong evidence (ClinVar ID: VCV000099303 /PMID: 9973280 /3billion dataset). A different missense change at the same codon (p.Thr1526Ala) has been reported to be associated with ABCA4-related disorder (PMID: 32619608). Therefore, this variant is classified as Pathogenic according to the recommendation of ACMG/AMP guideline.

Ambry Genetics
Classification: Pathogenic for Inborn genetic diseases. Last evaluated: 2024-12-23. Review status: criteria provided, single submitter. Criteria: Ambry Variant Classification Scheme 2023. Collection method: clinical testing. Allele origin: germline. Not counted in ClinVar's aggregate classification.
Comment: The c.4577C>T (p.T1526M) alteration is located in coding exon 31 of the ABCA4 gene. This alteration results from a C to T substitution at nucleotide position 4577, causing the threonine (T) at amino acid position 1526 to be replaced by a methionine (M). Based on data from gnomAD, the T allele has an overall frequency of 0.0064% (18/282882) total alleles studied. The highest observed frequency was 0.0124% (16/129184) of European (non-Finnish) alleles. This variant has been identified in the homozygous state and/or in conjunction with other ABCA4 variants in multiple individuals with features consistent with ABCA4-related retinal dystrophy; in at least one instance, the variants were identified in trans (Lewis, 1999; Cideciyan, 2009; Fakin, 2016). This amino acid position is well conserved in available vertebrate species. In an assay testing ABCA4 function, this variant showed a functionally abnormal result (Sun, 2000). This alteration is predicted to be deleterious by in silico analysis. Based on the available evidence, this alteration is classified as pathogenic.

CeGaT Center for Human Genetics Tuebingen
Classification: Pathogenic. Last evaluated: 2024-12-01. Review status: criteria provided, single submitter. Criteria: CeGaT Center For Human Genetics Tuebingen Variant Classification Criteria Version 2. Collection method: clinical testing. Allele origin: germline. Affected: yes. Observed: 1 variant allele. Not counted in ClinVar's aggregate classification.
Comment: ABCA4: PM3:Very Strong, PM2

Blueprint Genetics
Classification: Pathogenic for ABCA4-related disorders. Last evaluated: 2024-11-22. Review status: criteria provided, single submitter. Criteria: ACMG Guidelines, 2015. Collection method: clinical testing. Allele origin: germline. Affected: yes. Observed: 5 variant alleles. Not counted in ClinVar's aggregate classification.